The following is an entry in ClinVar:

ClinVar aggregate classification (germline): Uncertain significance (1 of 4 stars; one submission).

Conditions:
Growth hormone insensitivity with immune dysregulation 1, autosomal recessive. Also called: GROWTH HORMONE INSENSITIVITY DUE TO POSTRECEPTOR DEFECT; LARON SYNDROME DUE TO POSTRECEPTOR DEFECT; GROWTH HORMONE INSENSITIVITY SYNDROME WITH IMMUNE DYSREGULATION 1, AUTOSOMAL RECESSIVE; Laron syndrome with immunodeficiency. Identifiers: Orphanet 220465, MedGen C5435698, MONDO:0100211, OMIM 245590.

Submission:

Labcorp Genetics (formerly Invitae), Labcorp
Classification: Uncertain significance for Growth hormone insensitivity with immune dysregulation 1, autosomal recessive. Last evaluated: 2019-05-20. Review status: criteria provided, single submitter. Criteria: Invitae Variant Classification Sherloc (09022015). Collection method: clinical testing. Allele origin: germline.
Comment: Algorithms developed to predict the effect of missense changes on protein structure and function (SIFT, PolyPhen-2, Align-GVGD) all suggest that this variant is likely to be tolerated, but these predictions have not been confirmed by published functional studies and their clinical significance is uncertain. In summary, the available evidence is currently insufficient to determine the role of this variant in disease. Therefore, it has been classified as a Variant of Uncertain Significance. This variant has not been reported in the literature in individuals with STAT5B-related conditions. This sequence change replaces valine with leucine at codon 309 of the STAT5B protein (p.Val309Leu). The valine residue is moderately conserved and there is a small physicochemical difference between valine and leucine. This variant is not present in population databases (ExAC no frequency).

NM_012448.4(STAT5B):c.925G>C (p.Val309Leu)

Gene: STAT5B (signal transducer and activator of transcription 5B; minus strand). Cytogenetic location: 17q21.2.
Variant type: single nucleotide variant.
Coding change: c.925G>C on transcript NM_012448.4 (MANE Select); coding-DNA position 925, G replaced by C.
Protein change: p.Val309Leu; replaces valine 309 with leucine.
Molecular consequence: missense variant.
Genome position (GRCh38, 1-based): chr17:42,218,787, C>G on the plus strand (G>C on the coding strand, the complement: STAT5B is on the minus strand). VCF-style: chr17-42218787-C-G. GRCh37 (hg19) VCF-style: chr17-40370805-C-G.
Other names: short protein forms V309L.
Identifiers: ClinVar variation 836252 (VCV000836252.10), dbSNP rs2080196988, ClinGen allele CA399586783.
Genomic context (GRCh38, chr17:42,218,787, plus strand): 5'-TCACCAGGGCTGAGATAATGTCCGTGATGGTGGCGTTGACCTCGGCCAGCATCTCCTCCA[C>G]TGGGCCGGGGATGGGCAGCTGCTGGCAGAGGTGCTCAGCCCTGCGGATCTGCTGCCGGTT-3'
Protein context (NP_036580.2, residues 299-319): LCQQLPIPGP[Val309Leu]EEMLAEVNAT